The following is an entry in ClinVar:

ClinVar aggregate classification (germline): Uncertain significance (1 of 4 stars; one submission).

gnomAD v4.1: 3 of 1,613,712 alleles (0.00019%); highest among the groups gnomAD compares: Non-Finnish European, 0.00025%; no homozygotes.

Submission:

Labcorp Genetics (formerly Invitae), Labcorp
Classification: Uncertain significance. Last evaluated: 2024-05-13. Review status: criteria provided, single submitter. Criteria: Invitae Variant Classification Sherloc (09022015). Collection method: clinical testing. Allele origin: germline.
Comment: This sequence change replaces serine, which is neutral and polar, with cysteine, which is neutral and slightly polar, at codon 1228 of the RIMS1 protein (p.Ser1228Cys). This variant is not present in population databases (gnomAD no frequency). This variant has not been reported in the literature in individuals affected with RIMS1-related conditions. An algorithm developed to predict the effect of missense changes on protein structure and function (PolyPhen-2) suggests that this variant is likely to be disruptive. In summary, the available evidence is currently insufficient to determine the role of this variant in disease. Therefore, it has been classified as a Variant of Uncertain Significance.

NM_014989.7(RIMS1):c.3683C>G (p.Ser1228Cys)

Gene: RIMS1 (regulating synaptic membrane exocytosis 1; plus strand). Cytogenetic location: 6q13.
Variant type: single nucleotide variant.
Coding change: c.3683C>G on transcript NM_014989.7 (MANE Select); coding-DNA position 3683, C replaced by G.
Protein change: p.Ser1228Cys; replaces serine 1228 with cysteine.
Molecular consequence: missense variant. On other transcripts: intron variant (56).
Genome position (GRCh38, 1-based): chr6:72,290,807, C>G. VCF-style: chr6-72290807-C-G. GRCh37 (hg19) VCF-style: chr6-73000510-C-G.
Other names: c.1632-1127C>G (NM_001350428.2); c.1560-1127C>G (NM_001350459.2, NM_001350424.2); c.1641-1127C>G (NM_001350437.2); c.1629-1127C>G (NM_001350430.2, NM_001350414.2, NM_001350439.2 and 2 more transcripts); c.1557-1127C>G (NM_001350421.2, NM_001350450.2); c.1707-1127C>G (NM_001350458.2); c.1785-1127C>G (NM_001350433.2); c.1701-1127C>G (NM_001350416.2, NM_001350448.2, NM_001350417.2); and 31 more; short protein forms S580C, S609C, S586C, S1228C, S563C, S610C.
Identifiers: ClinVar variation 3639769 (VCV003639769.2).